The following is an entry in ClinVar:

ClinVar aggregate classification (germline): Uncertain significance (1 of 4 stars; one submission).

gnomAD v4.1: 1 of 1,610,316 alleles (0.000062%); highest among the groups gnomAD compares: Non-Finnish European, 0.000085%; no homozygotes.

Submission:

Mayo Clinic Laboratories, Mayo Clinic
Classification: Uncertain significance. Last evaluated: 2024-06-14. Review status: criteria provided, single submitter. Criteria: ACMG Guidelines, 2015. Collection method: clinical testing. Allele origin: germline. Observed: 1 variant allele.
Comment: PM2

NM_007098.4(CLTCL1):c.112A>T (p.Ile38Leu)

Gene: CLTCL1 (clathrin heavy chain like 1; minus strand). Cytogenetic location: 22q11.21.
Variant type: single nucleotide variant.
Coding change: c.112A>T on transcript NM_007098.4 (MANE Select); coding-DNA position 112, A replaced by T.
Protein change: p.Ile38Leu; replaces isoleucine 38 with leucine.
Molecular consequence: missense variant.
Genome position (GRCh38, 1-based): chr22:19,275,761, T>A on the plus strand (A>T on the coding strand, the complement: CLTCL1 is on the minus strand). VCF-style: chr22-19275761-T-A. GRCh37 (hg19) VCF-style: chr22-19263284-T-A.
Other names: p.Ile38Leu; c.112A>T, p.Ile38Leu (NM_001835.4); short protein forms I38L.
Identifiers: ClinVar variation 3380694 (VCV003380694.1).